The following is an entry in ClinVar:

ClinVar aggregate classification (germline): Pathogenic (1 of 4 stars; one submission).

Conditions:
Bardet-Biedl syndrome (BBS). Identifiers: Orphanet 110, MedGen C0752166, MONDO:0015229.

Submission:

Labcorp Genetics (formerly Invitae), Labcorp
Classification: Pathogenic for Bardet-Biedl syndrome. Last evaluated: 2025-11-22. Review status: criteria provided, single submitter. Criteria: Invitae Variant Classification Sherloc (09022015). Collection method: clinical testing. Allele origin: germline.
Comment: This sequence change creates a premature translational stop signal (p.Thr300delinsTyrPheAspTrpLys*) in the BBS9 gene. It is expected to result in an absent or disrupted protein product. Loss-of-function variants in BBS9 are known to be pathogenic (PMID: 16380913, 20177705). This variant is not present in population databases (gnomAD no frequency). This variant has not been reported in the literature in individuals affected with BBS9-related conditions. For these reasons, this variant has been classified as Pathogenic.

Literature cited by the submitters: PubMed 16380913; PubMed 20177705.

NM_198428.3(BBS9):c.897_898insTACTTTGATTGGAAATAAATCAAGGAT (p.Thr300delinsTyrPheAspTrpLysTer)

Gene: BBS9 (Bardet-Biedl syndrome 9; plus strand). Cytogenetic location: 7p14.3.
Variant type: Insertion.
Coding change: c.897_898insTACTTTGATTGGAAATAAATCAAGGAT on transcript NM_198428.3 (MANE Select); coding-DNA positions 897 to 898, TACTTTGATTGGAAATAAATCAAGGAT inserted.
Protein change: p.Thr300delinsTyrPheAspTrpLysTer.
Molecular consequence: nonsense. On other transcripts: non-coding transcript variant (3).
Genome position: GRCh38 VCF-style: chr7-33273837-A-ATACTTTGATTGGAAATAAATCAAGGAT. GRCh37 (hg19) VCF-style: chr7-33313449-A-ATACTTTGATTGGAAATAAATCAAGGAT.
Other names: c.897_898insTACTTTGATTGGAAATAAATCAAGGAT, p.Thr300delinsTyrPheAspTrpLysTer (NM_001033604.2, NM_001033605.2, NM_001348036.1 and 5 more transcripts); c.531_532insTACTTTGATTGGAAATAAATCAAGGAT, p.Thr178delinsTyrPheAspTrpLysTer (NM_001348037.3, NM_001348044.3, NM_001348045.3 and 1 more transcripts); c.624_625insTACTTTGATTGGAAATAAATCAAGGAT, p.Thr209delinsTyrPheAspTrpLysTer (NM_001348038.3, NM_001348039.3); c.762_763insTACTTTGATTGGAAATAAATCAAGGAT, p.Thr255delinsTyrPheAspTrpLysTer (NM_001348042.3).
Identifiers: ClinVar variation 4731684 (VCV004731684.1).